The following is an entry in ClinVar:

NM_006831.3(CLP1):c.959A>C (p.Lys320Thr)

Gene: CLP1 (cleavage factor polyribonucleotide kinase subunit 1; plus strand). Cytogenetic location: 11q12.1.
Variant type: single nucleotide variant.
Coding change: c.959A>C on transcript NM_006831.3 (MANE Select); coding-DNA position 959, A replaced by C.
Protein change: p.Lys320Thr; replaces lysine 320 with threonine.
Molecular consequence: missense variant.
Genome position (GRCh38, 1-based): chr11:57,661,117, A>C. VCF-style: chr11-57661117-A-C. GRCh37 (hg19) VCF-style: chr11-57428589-A-C.
Other names: c.767A>C, p.Lys256Thr (NM_001142597.2); short protein forms K256T, K320T.
Identifiers: ClinVar variation 2696977 (VCV002696977.3), dbSNP rs2495520290, ClinGen allele CA380699804.

ClinVar aggregate classification (germline): Uncertain significance (1 of 4 stars; one submission).

Submission:

Labcorp Genetics (formerly Invitae), Labcorp
Classification: Uncertain significance. Last evaluated: 2024-01-18. Review status: criteria provided, single submitter. Criteria: Invitae Variant Classification Sherloc (09022015). Collection method: clinical testing. Allele origin: germline.
Comment: This sequence change replaces lysine, which is basic and polar, with threonine, which is neutral and polar, at codon 320 of the CLP1 protein (p.Lys320Thr). This variant is not present in population databases (gnomAD no frequency). This variant has not been reported in the literature in individuals affected with CLP1-related conditions. Advanced modeling of protein sequence and biophysical properties (such as structural, functional, and spatial information, amino acid conservation, physicochemical variation, residue mobility, and thermodynamic stability) performed at Invitae indicates that this missense variant is not expected to disrupt CLP1 protein function with a negative predictive value of 80%. In summary, the available evidence is currently insufficient to determine the role of this variant in disease. Therefore, it has been classified as a Variant of Uncertain Significance.